The following is an entry in ClinVar:

ClinVar aggregate classification (germline): Likely benign (1 of 4 stars; one submission).

Conditions:
GNRHR-related disorder. Also called: GNRHR-related condition.

gnomAD v4.1: 165 of 1,613,978 alleles (0.01%); highest among the groups gnomAD compares: Non-Finnish European, 0.013%; no homozygotes.

Submission:

PreventionGenetics, part of Exact Sciences
Classification: Likely benign for GNRHR-related condition. Last evaluated: 2025-03-20. Review status: criteria provided, single submitter. Criteria: ACMG Guidelines, 2015. Collection method: clinical testing. Allele origin: germline.
Comment: This variant is classified as likely benign based on ACMG/AMP sequence variant interpretation guidelines (Richards et al. 2015 PMID: 25741868, with internal and published modifications).

NM_000406.3(GNRHR):c.288A>G (p.Pro96=)

Gene: GNRHR (gonadotropin releasing hormone receptor; minus strand). Cytogenetic location: 4q13.2.
Variant type: single nucleotide variant.
Coding change: c.288A>G on transcript NM_000406.3 (MANE Select); coding-DNA position 288, A replaced by G.
Protein change: p.Pro96=; no amino-acid change (proline 96 retained).
Molecular consequence: synonymous variant.
Genome position (GRCh38, 1-based): chr4:67,754,048, T>C on the plus strand (A>G on the coding strand, the complement: GNRHR is on the minus strand). VCF-style: chr4-67754048-T-C. GRCh37 (hg19) VCF-style: chr4-68619766-T-C.
Other names: c.288A>G, p.Pro96= (NM_001012763.2).
Identifiers: ClinVar variation 4980505 (VCV004980505.1).
Genomic context (GRCh38, chr4:67,754,048, plus strand): 5'-AACTTTGCAGAGTAACTCTCCAGCATACCATTGGACTGTAATGTTCCACATCCCATCCAG[T>C]GGCATGACAATCAGAGTCTCCAACAGGTTGGCTAAGGTCAGATGTTTTAAGAGCAGCTTC-3'
Protein context (NP_000397.1, residues 86-106): ANLLETLIVM[Pro96=]LDGMWNITVQ